The following is an entry in ClinVar:

NM_001148.6(ANK2):c.5060C>A (p.Thr1687Lys)

Gene: ANK2 (ankyrin 2; plus strand). Cytogenetic location: 4q26.
Variant type: single nucleotide variant.
Coding change: c.5060C>A on transcript NM_001148.6 (MANE Select); coding-DNA position 5060, C replaced by A.
Protein change: p.Thr1687Lys; replaces threonine 1687 with lysine.
Molecular consequence: missense variant. On other transcripts: intron variant (68).
Genome position (GRCh38, 1-based): chr4:113,353,678, C>A. VCF-style: chr4-113353678-C-A. GRCh37 (hg19) VCF-style: chr4-114274834-C-A.
Other names: c.4826C>A, p.Thr1609Lys (NM_001386142.1); c.1460C>A, p.Thr487Lys (NM_001386166.1); c.5201C>A, p.Thr1734Lys (NM_001386174.1); c.5177C>A, p.Thr1726Lys (NM_001386175.1); c.4411+3429C>A (NM_001386186.2, NM_001386148.2); c.4213+3429C>A (NM_001354269.3); c.4291+3429C>A (NM_001386187.2); c.4252+3429C>A (NM_001386147.1); and 35 more; short protein forms T1609K, T1687K, T1726K, T1734K, T487K.
Identifiers: ClinVar variation 1064133 (VCV001064133.6), dbSNP rs900402464, ClinGen allele CA103811893.

ClinVar aggregate classification (germline): Uncertain significance. Review status: criteria provided, multiple submitters, no conflicts (2 of 4 stars). 2 submissions from 2 submitters: Uncertain significance (2). Last evaluated 2021-08-18.

Conditions:
Long QT syndrome (LQTS). Identifiers: MedGen C0023976, MeSH D008133, MONDO:0002442. Disease mechanism: loss of function. Inheritance: Various modes of inheritance.
Cardiac arrhythmia, ankyrin-B-related. Also called: ANKYRIN-B SYNDROME. Identifiers: Orphanet 101016, Orphanet 768, MedGen C1970119, MONDO:0010958, OMIM 600919.

Allele frequency attached by ClinVar (database versions not stated): gnomAD exomes below 0.00001; TOPMed 0.00001.
gnomAD v4.1: 1 of 1,613,934 alleles (0.000062%); highest among the groups gnomAD compares: African/African-American, 0.0013%; no homozygotes.

Submissions (2):

Fulgent Genetics
Classification: Uncertain significance for Cardiac arrhythmia, ankyrin-B-related. Last evaluated: 2021-08-18. Review status: criteria provided, single submitter. Criteria: ACMG Guidelines, 2015. Collection method: clinical testing. Allele origin: unknown.

Labcorp Genetics (formerly Invitae), Labcorp
Classification: Uncertain significance for Long QT syndrome. Last evaluated: 2020-02-18. Review status: criteria provided, single submitter. Criteria: Invitae Variant Classification Sherloc (09022015). Collection method: clinical testing. Allele origin: germline.
Comment: In summary, the available evidence is currently insufficient to determine the role of this variant in disease. Therefore, it has been classified as a Variant of Uncertain Significance. Algorithms developed to predict the effect of missense changes on protein structure and function output the following: SIFT: "Tolerated"; PolyPhen-2: "Benign"; Align-GVGD: "Class C0". The lysine amino acid residue is found in multiple mammalian species, suggesting that this missense change does not adversely affect protein function. These predictions have not been confirmed by published functional studies and their clinical significance is uncertain. This sequence change replaces threonine with lysine at codon 1687 of the ANK2 protein (p.Thr1687Lys). The threonine residue is weakly conserved and there is a moderate physicochemical difference between threonine and lysine. This variant is not present in population databases (ExAC no frequency). This variant has not been reported in the literature in individuals with ANK2-related conditions.